The following is an entry in ClinVar:

ClinVar aggregate classification (germline): Uncertain significance (1 of 4 stars; one submission).

Conditions:
Familial thoracic aortic aneurysm and aortic dissection (TAAD). Also called: Thoracic aortic aneurysms and dissections. Identifiers: Orphanet 91387, MedGen C4707243, MONDO:0019625.

Submission:

Ambry Genetics
Classification: Uncertain significance for Familial thoracic aortic aneurysm and aortic dissection. Last evaluated: 2024-05-02. Review status: criteria provided, single submitter. Criteria: Ambry Variant Classification Scheme 2023. Collection method: clinical testing. Allele origin: germline.
Comment: The p.C43G variant (also known as c.127T>G), located in coding exon 1 of the MYLK gene, results from a T to G substitution at nucleotide position 127. The cysteine at codon 43 is replaced by glycine, an amino acid with highly dissimilar properties. This amino acid position is conserved. In addition, the in silico prediction for this alteration is inconclusive. Based on the available evidence, the clinical significance of this variant remains unclear.

NM_053025.4(MYLK):c.127T>G (p.Cys43Gly)

Gene: MYLK (myosin light chain kinase; minus strand). Cytogenetic location: 3q21.1.
Variant type: single nucleotide variant.
Coding change: c.127T>G on transcript NM_053025.4 (MANE Select); coding-DNA position 127, T replaced by G.
Protein change: p.Cys43Gly; replaces cysteine 43 with glycine.
Molecular consequence: missense variant. On other transcripts: 5 prime UTR variant (1).
Genome position (GRCh38, 1-based): chr3:123,793,715, A>C on the plus strand (T>G on the coding strand, the complement: MYLK is on the minus strand). VCF-style: chr3-123793715-A-C. GRCh37 (hg19) VCF-style: chr3-123512562-A-C.
Other names: c.-194T>G (NM_001321309.2); c.127T>G, p.Cys43Gly (NM_053026.4, NM_053027.4, NM_053028.4); short protein forms C43G.
Identifiers: ClinVar variation 3297605 (VCV003297605.1).